The following is an entry in ClinVar:

NM_018192.4(P3H2):c.91C>T (p.Arg31Cys)

Gene: P3H2 (prolyl 3-hydroxylase 2; minus strand). Cytogenetic location: 3q28.
Variant type: single nucleotide variant.
Coding change: c.91C>T on transcript NM_018192.4 (MANE Select); coding-DNA position 91, C replaced by T.
Protein change: p.Arg31Cys; replaces arginine 31 with cysteine.
Molecular consequence: missense variant. On other transcripts: intron variant (1).
Genome position (GRCh38, 1-based): chr3:190,120,641, G>A on the plus strand (C>T on the coding strand, the complement: P3H2 is on the minus strand). VCF-style: chr3-190120641-G-A. GRCh37 (hg19) VCF-style: chr3-189838430-G-A.
Other names: c.-64+1562C>T (NM_001134418.2); short protein forms R31C.
Identifiers: ClinVar variation 1018751 (VCV001018751.5), dbSNP rs1712534323, ClinGen allele CA355860186.

ClinVar aggregate classification (germline): Uncertain significance (1 of 4 stars; one submission).

Submission:

Labcorp Genetics (formerly Invitae), Labcorp
Classification: Uncertain significance. Last evaluated: 2021-03-04. Review status: criteria provided, single submitter. Criteria: Invitae Variant Classification Sherloc (09022015). Collection method: clinical testing. Allele origin: germline.
Comment: In summary, the available evidence is currently insufficient to determine the role of this variant in disease. Therefore, it has been classified as a Variant of Uncertain Significance. Algorithms developed to predict the effect of missense changes on protein structure and function are either unavailable or do not agree on the potential impact of this missense change (SIFT: "Deleterious"; PolyPhen-2: "Benign"; Align-GVGD: "Class C0"). This variant has not been reported in the literature in individuals with P3H2-related conditions. The frequency data for this variant in the population databases is considered unreliable, as metrics indicate insufficient coverage at this position in the ExAC database. This sequence change replaces arginine with cysteine at codon 31 of the P3H2 protein (p.Arg31Cys). The arginine residue is weakly conserved and there is a large physicochemical difference between arginine and cysteine.